The following is an entry in ClinVar:

NM_002878.4(RAD51D):c.16G>T (p.Val6Phe)

Genes: RAD51D (RAD51 paralog D; minus strand), RAD51L3-RFFL (RAD51L3-RFFL readthrough; minus strand). Cytogenetic location: 17q12.
Variant type: single nucleotide variant.
Coding change: c.16G>T on transcript NM_002878.4 (MANE Select); coding-DNA position 16, G replaced by T.
Protein change: p.Val6Phe; replaces valine 6 with phenylalanine.
Molecular consequence: missense variant. On other transcripts: non-coding transcript variant (2).
Genome position (GRCh38, 1-based): chr17:35,119,598, C>A on the plus strand (G>T on the coding strand, the complement: RAD51D is on the minus strand). VCF-style: chr17-35119598-C-A. GRCh37 (hg19) VCF-style: chr17-33446617-C-A.
Other names: c.16G>T, p.Val6Phe (NM_001142571.2, NM_133629.3); short protein forms V6F.
Identifiers: ClinVar variation 629010 (VCV000629010.5), dbSNP rs368198698, ClinGen allele CA399092561.

ClinVar aggregate classification (germline): Uncertain significance (1 of 4 stars; one submission).

Conditions:
Hereditary cancer-predisposing syndrome. Also called: Neoplastic Syndromes, Hereditary; Tumor predisposition; Hereditary neoplastic syndrome; Hereditary Cancer Syndrome. Identifiers: Orphanet 140162, MedGen C0027672, MeSH D009386, MONDO:0015356.

Submission:

Color Diagnostics, LLC DBA Color Health
Classification: Uncertain significance for Hereditary cancer-predisposing syndrome. Last evaluated: 2023-12-04. Review status: criteria provided, single submitter. Criteria: ACMG Guidelines, 2015. Collection method: clinical testing. Allele origin: germline.
Comment: This missense variant replaces valine with phenylalanine at codon 6 of the RAD51D protein. Computational prediction suggests that this variant may not impact protein structure and function (internally defined REVEL score threshold <= 0.5, PMID: 27666373). To our knowledge, functional studies have not been reported for this variant. This variant has not been reported in individuals affected with RAD51D-related disorders in the literature. This variant has not been identified in the general population by the Genome Aggregation Database (gnomAD). The available evidence is insufficient to determine the role of this variant in disease conclusively. Therefore, this variant is classified as a Variant of Uncertain Significance.